The following is an entry in ClinVar:

NM_012186.3(FOXE3):c.460A>G (p.Met154Val)

Genes: LINC01389 (long independently transcribed non-coding RNA 1389; minus strand), FOXE3 (forkhead box E3; plus strand). Cytogenetic location: 1p33.
Variant type: single nucleotide variant.
Coding change: c.460A>G on transcript NM_012186.3 (MANE Select); coding-DNA position 460, A replaced by G.
Protein change: p.Met154Val; replaces methionine 154 with valine.
Molecular consequence: missense variant.
Genome position (GRCh38, 1-based): chr1:47,416,775, A>G. VCF-style: chr1-47416775-A-G. GRCh37 (hg19) VCF-style: chr1-47882447-A-G.
Other names: c.460A>G (NM_012186.2); short protein forms M154V.
Identifiers: ClinVar variation 2944433 (VCV002944433.4), dbSNP rs2521318775, ClinGen allele CA340250034.

ClinVar aggregate classification (germline): Uncertain significance. Review status: criteria provided, multiple submitters, no conflicts (2 of 4 stars). 2 submissions from 2 submitters: Uncertain significance (2). Last evaluated 2025-02-20.

Conditions:
Anterior segment dysgenesis. Also called: Ocular anterior segment dysgenesis. Identifiers: Orphanet 88632, MedGen C1862839, MONDO:0019503, HP:0007700.
Congenital primary aphakia. Also called: Anterior segment dysgenesis 2, multiple subtypes; ANTERIOR SEGMENT DYSGENESIS 2. Identifiers: Orphanet 83461, MedGen C1853230, MONDO:0012456, OMIM 610256.

Allele frequency attached by ClinVar (database versions not stated): gnomAD exomes below 0.00001.

Submissions (2):

GeneDx
Classification: Uncertain significance. Last evaluated: 2025-02-20. Review status: criteria provided, single submitter. Criteria: GeneDx Variant Classification Process June 2021. Collection method: clinical testing. Allele origin: germline. Affected: yes.
Comment: Not observed at significant frequency in large population cohorts (gnomAD); In silico analysis supports that this missense variant has a deleterious effect on protein structure/function; Has not been previously published as pathogenic or benign to our knowledge

Labcorp Genetics (formerly Invitae), Labcorp
Classification: Uncertain significance for Anterior segment dysgenesis; Congenital primary aphakia. Last evaluated: 2023-02-17. Review status: criteria provided, single submitter. Criteria: Invitae Variant Classification Sherloc (09022015). Collection method: clinical testing. Allele origin: germline.
Comment: In summary, the available evidence is currently insufficient to determine the role of this variant in disease. Therefore, it has been classified as a Variant of Uncertain Significance. Advanced modeling of protein sequence and biophysical properties (such as structural, functional, and spatial information, amino acid conservation, physicochemical variation, residue mobility, and thermodynamic stability) has been performed at Invitae for this missense variant, however the output from this modeling did not meet the statistical confidence thresholds required to predict the impact of this variant on FOXE3 protein function. This variant has not been reported in the literature in individuals affected with FOXE3-related conditions. This variant is not present in population databases (gnomAD no frequency). This sequence change replaces methionine, which is neutral and non-polar, with valine, which is neutral and non-polar, at codon 154 of the FOXE3 protein (p.Met154Val).